The following is an entry in ClinVar:

ClinVar aggregate classification (germline): Benign (0 of 4 stars; one submission).

Conditions:
Azorean disease (MJD). Also called: Spinocerebellar Ataxia Type 3; AZOREAN NEUROLOGIC DISEASE; Machado-Joseph disease; NIGROSPINODENTATAL DEGENERATION; SPINOCEREBELLAR ATROPHY III; SPINOPONTINE ATROPHY. Identifiers: Orphanet 98757, MedGen C0024408, MONDO:0007182, OMIM 109150.

Submission:

GeneReviews
Classification: Benign for Azorean disease. Last evaluated: 2015-09-24. Review status: no assertion criteria provided. Collection method: literature only. Allele origin: germline. Affected: yes.
Comment: ≤44 CAG repeats

NM_004993.5(ATXN3):c.886_888CAG(12_44) (p.Gln305_Gly306insGlnGlnGlnGlnGlnGlnGlnGlnGlnGlnGln)

Genes: ATXN3 (ataxin 3; minus strand), LOC108663987 (ataxin 3 repeat instability region; plus strand). Cytogenetic location: 14q32.12.
Variant type: Microsatellite.
Coding change: c.886_888CAG(12_44) on transcript NM_004993.5.
Protein change: p.Gln305_Gly306insGlnGlnGlnGlnGlnGlnGlnGlnGlnGlnGln.
Identifiers: ClinVar variation 209994 (VCV000209994.2).